The following is an entry in ClinVar:

ClinVar aggregate classification (germline): Pathogenic (1 of 4 stars; one submission).

Submission:

Labcorp Genetics (formerly Invitae), Labcorp
Classification: Pathogenic. Last evaluated: 2021-04-29. Review status: criteria provided, single submitter. Criteria: Invitae Variant Classification Sherloc (09022015). Collection method: clinical testing. Allele origin: germline.
Comment: For these reasons, this variant has been classified as Pathogenic. This variant has not been reported in the literature in individuals with VPS13D-related conditions. This variant is not present in population databases (ExAC no frequency). This sequence change creates a premature translational stop signal (p.Glu1187Asnfs*11) in the VPS13D gene. It is expected to result in an absent or disrupted protein product. Loss-of-function variants in VPS13D are known to be pathogenic (PMID: 29518281).

Literature cited by the submitters: PubMed 29518281.

NM_015378.4(VPS13D):c.3559_3562del (p.Glu1187fs)

Gene: VPS13D (vacuolar protein sorting 13 homolog D; plus strand). Cytogenetic location: 1p36.22.
Variant type: Microsatellite.
Coding change: c.3559_3562del on transcript NM_015378.4 (MANE Select); coding-DNA positions 3559 to 3562, 4 bases deleted (GAGA; older notation c.3559_3562delGAGA).
Protein change: p.Glu1187fs; shifts the reading frame from glutamic acid 1187.
Molecular consequence: frameshift variant.
Genome position (GRCh38, 1-based): chr1:12,277,147-12,277,150, GAGA deleted; deleting any 4 consecutive bases within chr1:12,277,144-12,277,150 gives the same sequence; the c. name uses the placement nearest the transcript's 3' end. VCF-style (leftmost placement, unchanged base first): chr1-12277143-TAGAG-T. GRCh37 (hg19) VCF-style: chr1-12337200-TAGAG-T.
Other names: c.3559_3562del, p.Glu1187fs (NM_018156.4); short protein forms E1187fs.
Identifiers: ClinVar variation 1351520 (VCV001351520.6), dbSNP rs1190414475, ClinGen allele CA2580611414.
Genomic context (GRCh38, chr1:12,277,143, plus strand): 5'-GGTTGCAGTGGAAATCCATAGGCTGAACTTACTGCTTCTTCGGACAGTGGGCATGGCAAA[TAGAG>T]AGAAATATGGCAGAAAAATTGCAACTGCAAGTATAGGTGGCACCAAAGTTAATGTCTCAA-3'